The following is an entry in ClinVar:

NC_000004.11:g.(?_46252325)_(46390723_?)del

Gene: GABRA2 (gamma-aminobutyric acid type A receptor subunit alpha2; minus strand). Cytogenetic location: 4p12.
Variant type: Deletion.
Identifiers: ClinVar variation 3246724 (VCV003246724.1).

ClinVar aggregate classification (germline): Uncertain significance (1 of 4 stars; one submission).

Submission:

Labcorp Genetics (formerly Invitae), Labcorp
Classification: Uncertain significance. Last evaluated: 2022-12-31. Review status: criteria provided, single submitter. Criteria: Invitae Variant Classification Sherloc (09022015). Collection method: clinical testing. Allele origin: unknown.
Comment: In summary, the available evidence is currently insufficient to determine the role of this variant in disease. Therefore, it has been classified as a Variant of Uncertain Significance. Experimental studies and prediction algorithms are not available or were not evaluated, and the functional significance of this variant is currently unknown. This variant has not been reported in the literature in individuals affected with GABRA2-related conditions. A gross deletion of the genomic region encompassing the full coding sequence of the GABRA2 gene has been identified. The current clinical and genetic evidence is not sufficient to establish whether loss-of-function variants in GABRA2 cause disease. The boundaries of this event are unknown as they extend beyond the assayed region for this gene and therefore may encompass additional genes.